The following is an entry in ClinVar:

ClinVar aggregate classification (germline): Benign/Likely benign. Review status: criteria provided, multiple submitters, no conflicts (2 of 4 stars). 2 submissions from 2 submitters: Benign (1); Likely benign (1). Last evaluated 2026-03-29.

Conditions:
Hereditary cancer-predisposing syndrome. Also called: Neoplastic Syndromes, Hereditary; Tumor predisposition; Hereditary Cancer Syndrome; Hereditary neoplastic syndrome. Identifiers: Orphanet 140162, MedGen C0027672, MeSH D009386, MONDO:0015356.
Oligodontia-cancer predisposition syndrome. Also called: TOOTH AGENESIS-COLORECTAL CANCER SYNDROME. Identifiers: Orphanet 300576, MedGen C1837750, MONDO:0012075, OMIM 608615. Disease mechanism: loss of function.

Submissions (2):

Ambry Genetics
Classification: Likely benign for Hereditary cancer-predisposing syndrome. Last evaluated: 2026-03-29. Review status: criteria provided, single submitter. Criteria: Ambry Variant Classification Scheme 2023. Collection method: clinical testing. Allele origin: germline.

Myriad Genetics, Inc.
Classification: Benign for Oligodontia-cancer predisposition syndrome. Last evaluated: 2024-06-27. Review status: criteria provided, single submitter. Criteria: Myriad Autosomal Dominant, Autosomal Recessive and X-Linked Classification Criteria (2023). Collection method: clinical testing. Allele origin: unknown.
Comment: This variant is considered benign. This variant is a silent/synonymous amino acid change and it is not expected to impact splicing.

NM_004655.4(AXIN2):c.792G>A (p.Thr264=)

Gene: AXIN2 (axin 2; minus strand). Cytogenetic location: 17q24.1.
Variant type: single nucleotide variant.
Coding change: c.792G>A on transcript NM_004655.4 (MANE Select); coding-DNA position 792, G replaced by A.
Protein change: p.Thr264=; no amino-acid change (threonine 264 retained).
Molecular consequence: synonymous variant.
Genome position (GRCh38, 1-based): chr17:65,557,829, C>T on the plus strand (G>A on the coding strand, the complement: AXIN2 is on the minus strand). VCF-style: chr17-65557829-C-T. GRCh37 (hg19) VCF-style: chr17-63553947-C-T.
Other names: c.792G>A, p.Thr264= (NM_001363813.1).
Identifiers: ClinVar variation 3254287 (VCV003254287.2), dbSNP rs2144581936.